The following is an entry in ClinVar:

ClinVar aggregate classification (germline): Uncertain significance. Review status: criteria provided, single submitter (1 of 4 stars). 2 submissions from 2 submitters: Uncertain significance (1). 1 of the submissions does not count toward it. Last evaluated 2025-08-06.

Conditions:
Duchenne muscular dystrophy (DMD). Also called: MUSCULAR DYSTROPHY, PSEUDOHYPERTROPHIC PROGRESSIVE, DUCHENNE TYPE; Duchenne Muscular Dystrophy (DMD). Identifiers: Orphanet 98896, MedGen C0013264, MONDO:0010679, OMIM 310200.
Becker muscular dystrophy, Cardiomyopathy, Duchenne muscular dystrophy, Dystrophin deficiency.

gnomAD v4.1: 1 of 1,208,501 alleles (0.000083%); highest among the groups gnomAD compares: South Asian, 0.0018%; no homozygotes.

Submissions (2):

Labcorp Genetics (formerly Invitae), Labcorp
Classification: Uncertain significance for Duchenne muscular dystrophy. Last evaluated: 2025-08-06. Review status: criteria provided, single submitter. Criteria: Invitae Variant Classification Sherloc (09022015). Collection method: clinical testing. Allele origin: germline.
Comment: This sequence change replaces alanine, which is neutral and non-polar, with valine, which is neutral and non-polar, at codon 1232 of the DMD protein (p.Ala1232Val). This variant is not present in population databases (gnomAD no frequency). This variant has not been reported in the literature in individuals affected with DMD-related conditions. ClinVar contains an entry for this variant (Variation ID: 1402902). Invitae Evidence Modeling of protein sequence and biophysical properties (such as structural, functional, and spatial information, amino acid conservation, physicochemical variation, residue mobility, and thermodynamic stability) indicates that this missense variant is not expected to disrupt DMD protein function with a negative predictive value of 95%. In summary, the available evidence is currently insufficient to determine the role of this variant in disease. Therefore, it has been classified as a Variant of Uncertain Significance.

Natera, Inc.
Classification: Uncertain significance for Becker muscular dystrophy, Cardiomyopathy, Duchenne muscular dystrophy, Dystrophin deficiency. Last evaluated: 2025-04-10. Review status: no assertion criteria provided. Collection method: clinical testing. Allele origin: germline. Not counted in ClinVar's aggregate classification.

NM_004006.3(DMD):c.3695C>T (p.Ala1232Val)

Gene: DMD (dystrophin; minus strand). Cytogenetic location: Xp21.1.
Variant type: single nucleotide variant.
Coding change: c.3695C>T on transcript NM_004006.3 (MANE Select); coding-DNA position 3695, C replaced by T.
Protein change: p.Ala1232Val; replaces alanine 1232 with valine.
Molecular consequence: missense variant.
Genome position (GRCh38, 1-based): chrX:32,448,547, G>A on the plus strand (C>T on the coding strand, the complement: DMD is on the minus strand). VCF-style: chrX-32448547-G-A. GRCh37 (hg19) VCF-style: chrX-32466664-G-A.
Other names: c.3695C>T (NM_004006.2); c.3671C>T, p.Ala1224Val (NM_000109.4); c.3683C>T, p.Ala1228Val (NM_004009.3); c.3326C>T, p.Ala1109Val (NM_004010.3); short protein forms A1109V, A1228V, A1232V, A1224V.
Identifiers: ClinVar variation 1402902 (VCV001402902.10), dbSNP rs2148288127, ClinGen allele CA412662015.